The following is an entry in ClinVar:

NM_000268.4(NF2):c.1786T>C (p.Ter596Gln)

Gene: NF2 (NF2, moesin-ezrin-radixin like (MERLIN) tumor suppressor; plus strand). Cytogenetic location: 22q12.2.
Variant type: single nucleotide variant.
Coding change: c.1786T>C on transcript NM_000268.4 (MANE Select); coding-DNA position 1786, T replaced by C.
Protein change: p.Ter596Gln.
Molecular consequence: stop lost. On other transcripts: 3 prime UTR variant (5), non-coding transcript variant (1).
Genome position (GRCh38, 1-based): chr22:29,694,800, T>C. VCF-style: chr22-29694800-T-C. GRCh37 (hg19) VCF-style: chr22-30090789-T-C.
Other names: *596Q; *166Q; c.*58T>C (NM_016418.5, NM_181828.3, NM_181829.3 and 1 more transcripts); c.*73T>C (NM_181832.3); c.496T>C, p.Ter166Gln (NM_181833.3).
Identifiers: ClinVar variation 561064 (VCV000561064.3), dbSNP rs1569319775, ClinGen allele CA411152389.

ClinVar aggregate classification (germline): Uncertain significance. Review status: criteria provided, multiple submitters, no conflicts (2 of 4 stars). 2 submissions from 2 submitters: Uncertain significance (2). Last evaluated 2026-01-13.

Conditions:
Hereditary cancer-predisposing syndrome. Also called: Hereditary Cancer Syndrome; Neoplastic Syndromes, Hereditary; Hereditary neoplastic syndrome; Tumor predisposition. Identifiers: Orphanet 140162, MedGen C0027672, MeSH D009386, MONDO:0015356.
Neurofibromatosis, type 2 (SWNV). Also called: SCHWANNOMATOSIS, VESTIBULAR; NF2-Related Schwannomatosis; BILATERAL ACOUSTIC NEUROFIBROMATOSIS. Identifiers: Orphanet 637, MedGen C0027832, MONDO:0007039, OMIM 101000. Disease mechanism: loss of function.

Allele frequency attached by ClinVar (database versions not stated): gnomAD exomes below 0.00001.
gnomAD v4.1: 1 of 1,612,780 alleles (0.000062%); highest among the groups gnomAD compares: African/African-American, 0.0013%; no homozygotes.

Submissions (2):

Ambry Genetics
Classification: Uncertain significance for Hereditary cancer-predisposing syndrome. Last evaluated: 2026-01-13. Review status: criteria provided, single submitter. Criteria: Ambry Variant Classification Scheme 2023. Collection method: clinical testing. Allele origin: germline.
Comment: The c.1786T>C variant (also known as p.*596Qext*45), located in coding exon 16 of the NF2 gene, results from a T to C substitution at nucleotide position 1786, which is the last nucleotide of the NF2 gene. The stop codon at position 596 is replaced by glutamine. This alteration disrupts the stop codon of the NF2 gene and is predicted to preserve the native sequence while resulting in the elongation of the protein by 45 amino acids. The exact functional effect of the additional amino acids is unknown. Based on the available evidence, the clinical significance of this variant remains unclear.

Baylor Genetics
Classification: Uncertain significance for Neurofibromatosis, type 2. Last evaluated: 2017-12-31. Review status: criteria provided, single submitter. Criteria: ACMG Guidelines, 2015. Collection method: clinical testing. Allele origin: germline. Affected: yes.
Comment: Reclassification of existing record

Literature cited by the submitters: PubMed 25326635 (cited by Baylor Genetics).